The following is an entry in ClinVar:

ClinVar aggregate classification (germline): Conflicting classifications of pathogenicity. Review status: criteria provided, conflicting classifications (1 of 4 stars). 5 submissions from 5 submitters: Uncertain significance (2); Likely benign (2). 1 of the submissions does not count toward it. Last evaluated 2025-07-21.

Conditions:
Hereditary cancer-predisposing syndrome. Also called: Tumor predisposition; Hereditary Cancer Syndrome; Neoplastic Syndromes, Hereditary; Hereditary neoplastic syndrome. Identifiers: Orphanet 140162, MedGen C0027672, MeSH D009386, MONDO:0015356.
Hereditary breast ovarian cancer syndrome. Also called: Hereditary breast and ovarian cancer; Hereditary breast and/or ovarian cancer syndrome; BRCA1- and BRCA2-Associated Hereditary Breast and Ovarian Cancer; Hereditary breast and ovarian cancer syndrome; Hereditary breast and ovarian cancer syndrome (HBOC); Breast and ovarian cancer. Identifiers: Orphanet 145, MedGen C0677776, MeSH D061325, MONDO:0003582. Disease mechanism: loss of function.
Breast-ovarian cancer, familial, susceptibility to, 2 (BROVCA2). Also called: BRCA2 Hereditary Breast and Ovarian Cancer. Identifiers: Orphanet 145, MedGen C2675520, MONDO:0012933, OMIM 612555. Disease mechanism: loss of function.

Allele frequency attached by ClinVar (database versions not stated): gnomAD exomes below 0.00001; gnomAD 0.00001.
gnomAD v4.1: 2 of 1,610,354 alleles (0.00012%); highest among the groups gnomAD compares: East Asian, 0.0022%; no homozygotes.

Submissions (5):

Color Diagnostics, LLC DBA Color Health
Classification: Uncertain significance for Hereditary cancer-predisposing syndrome. Last evaluated: 2025-07-21. Review status: criteria provided, single submitter. Criteria: ACMG Guidelines, 2015. Collection method: clinical testing. Allele origin: germline.
Comment: This variant causes an T>C nucleotide substitution at the -14 position in the 5' untranslated region in the BRCA2 gene. This variant is located distal to the Kozak consensus sequence (PMID: 3313277). The reference nucleotide is conserved among other reference species at this position (PMID: 12519945). To our knowledge, functional studies have not been reported for this variant. This variant has been reported in a multifactorial analysis with co-occurrence and family history likelihood ratios for pathogenicity of 1.0498 and 1.6237 respectively (PMID: 31131967). This variant has not been identified in the general population by the Genome Aggregation Database (gnomAD). The available evidence is insufficient to determine the role of this variant in disease conclusively. Therefore, this variant is classified as a Variant of Uncertain Significance.

Labcorp Genetics (formerly Invitae), Labcorp
Classification: Likely benign for Hereditary breast ovarian cancer syndrome. Last evaluated: 2025-03-24. Review status: criteria provided, single submitter. Criteria: Invitae Variant Classification Sherloc (09022015). Collection method: clinical testing. Allele origin: germline.

All of Us Research Program, National Institutes of Health
Classification: Uncertain significance for Breast-ovarian cancer, familial, susceptibility to, 2. Last evaluated: 2023-08-15. Review status: criteria provided, single submitter. Criteria: ACMG Guidelines, 2015. Collection method: clinical testing. Allele origin: germline. Inheritance: Autosomal dominant inheritance. Observed: 1 variant allele, 1 heterozygote.
Comment: This variant causes an T>C nucleotide substitution at the -14 position in the 5' untranslated region in the BRCA2 gene. This variant is located distal to the Kozak consensus sequence (PMID: 3313277). The reference nucleotide is conserved among other reference species at this position (PMID: 12519945). To our knowledge, functional studies have not been reported for this variant. This variant has been reported in a multifactorial analysis with co-occurrence and family history likelihood ratios for pathogenicity of 1.0498 and 1.6237 respectively (PMID: 31131967). This variant has not been identified in the general population by the Genome Aggregation Database (gnomAD). The available evidence is insufficient to determine the role of this variant in disease conclusively. Therefore, this variant is classified as a Variant of Uncertain Significance.

This study involves interpretation of variants in research participants for the purpose of population health screening. Participant phenotype was not available at the time of variant classification. Additional details can be found in publication PMID: 35346344, PMCID: PMC8962531

GeneDx
Classification: Likely benign. Last evaluated: 2015-12-20. Review status: criteria provided, single submitter. Criteria: GeneDx Variant Classification (06012015). Collection method: clinical testing. Allele origin: germline. Affected: yes.
Comment: This variant is considered likely benign or benign based on one or more of the following criteria: it is a conservative change, it occurs at a poorly conserved position in the protein, it is predicted to be benign by multiple in silico algorithms, and/or has population frequency not consistent with disease.

Breast Cancer Information Core (BIC) (BRCA2)
Classification: Uncertain significance for Breast-ovarian cancer, familial 2. Last evaluated: 2001-10-29. Review status: no assertion criteria provided. Collection method: clinical testing. Allele origin: germline. Affected: yes. Observed: 1 variant allele. Not counted in ClinVar's aggregate classification.

Literature cited by the submitters: PubMed 3313277 (cited by Color Diagnostics, LLC DBA Color Health and All of Us Research Program, National Institutes of Health); PubMed 12519945 (cited by Color Diagnostics, LLC DBA Color Health and All of Us Research Program, National Institutes of Health); PubMed 31131967 (cited by Color Diagnostics, LLC DBA Color Health and All of Us Research Program, National Institutes of Health).

NM_000059.4(BRCA2):c.-14T>C

Gene: BRCA2 (BRCA2 DNA repair associated; plus strand). Cytogenetic location: 13q13.1.
Variant type: single nucleotide variant.
Coding change: c.-14T>C on transcript NM_000059.4 (MANE Select); 14 bases upstream of the start codon, T replaced by C.
Molecular consequence: 5 prime UTR variant.
Genome position (GRCh38, 1-based): chr13:32,316,447, T>C. VCF-style: chr13-32316447-T-C. GRCh37 (hg19) VCF-style: chr13-32890584-T-C.
Other names: 215T>C.
Identifiers: ClinVar variation 125972 (VCV000125972.16), dbSNP rs276174796, ClinGen allele CA012248.